The following is an entry in ClinVar:

NM_139159.5(DPP9):c.1146C>T (p.Ala382=)

Gene: DPP9 (dipeptidyl peptidase 9; minus strand). Cytogenetic location: 19p13.3.
Variant type: single nucleotide variant.
Coding change: c.1146C>T on transcript NM_139159.5 (MANE Select); coding-DNA position 1146, C replaced by T.
Protein change: p.Ala382=; no amino-acid change (alanine 382 retained).
Molecular consequence: synonymous variant. On other transcripts: nonsense (2), non-coding transcript variant (10).
Genome position (GRCh38, 1-based): chr19:4,697,580, G>A on the plus strand (C>T on the coding strand, the complement: DPP9 is on the minus strand). VCF-style: chr19-4697580-G-A. GRCh37 (hg19) VCF-style: chr19-4697592-G-A.
Other names: c.1059C>T, p.Ala353= (NM_001384625.1, NM_001384626.1, NM_001384627.1 and 4 more transcripts); c.1146C>T, p.Ala382= (NM_001384628.1, NM_001384629.1, NM_001384630.1 and 16 more transcripts); c.1084C>T, p.Gln362Ter (NM_001384631.1, NM_001384635.1); c.1113C>T, p.Ala371= (NM_001384619.1); short protein forms Q362*.
Identifiers: ClinVar variation 5038561 (VCV005038561.1).
Genomic context (GRCh38, chr19:4,697,580, plus strand): 5'-AATTCCTTGGGTTCCAGCCAGAGACACTCACTATTTGCCATCCCGGGTCCACCCGGCCCT[G>A]GCGATGTACTCCACCTTCGGGAACAGCGAGCTGAAGGGCTGCACCAGCTCCTTCTCCTGG-3'
Protein context (NP_631898.3, residues 372-392): SSLFPKVEYI[Ala382=]RAGWTRDGKY

ClinVar aggregate classification (germline): Likely benign (1 of 4 stars; one submission).

gnomAD v4.1: 2,051 of 1,613,766 alleles (0.13%); highest among the groups gnomAD compares: Non-Finnish European, 0.15%; 3 homozygotes.

Submission:

CeGaT Center for Human Genetics Tuebingen
Classification: Likely benign. Last evaluated: 2026-07-01. Review status: criteria provided, single submitter. Criteria: CeGaT Center For Human Genetics Tuebingen Variant Classification Criteria Version 2. Collection method: clinical testing. Allele origin: germline. Affected: yes. Observed: 1 variant allele.
Comment: DPP9: BS2